The following is an entry in ClinVar:

ClinVar aggregate classification (germline): Uncertain significance. Review status: criteria provided, multiple submitters, no conflicts (2 of 4 stars). 7 submissions from 7 submitters: Uncertain significance (6). 1 of the submissions does not count toward it. Last evaluated 2025-10-30.

Conditions:
Hereditary cancer-predisposing syndrome. Also called: Neoplastic Syndromes, Hereditary; Hereditary Cancer Syndrome; Tumor predisposition; Hereditary neoplastic syndrome. Identifiers: Orphanet 140162, MedGen C0027672, MeSH D009386, MONDO:0015356.
Familial cancer of breast. Also called: Hereditary breast cancer; BREAST CANCER, FAMILIAL; hereditary breast carcinoma. Identifiers: Orphanet 227535, MedGen C0346153, MONDO:0016419, OMIM 114480. Disease mechanism: loss of function.
Ataxia-telangiectasia syndrome (AT). Also called: LOUIS-BAR SYNDROME; Cerebello-oculocutaneous telangiectasia; Immunodeficiency with ataxia telangiectasia; Ataxia-telangiectasia, complementation group D; AT, COMPLEMENTATION GROUP C; Ataxia-telangiectasia, complementation group E. Identifiers: Orphanet 100, MedGen C0004135, MONDO:0008840, OMIM 208900.

Allele frequency attached by ClinVar (database versions not stated): TOPMed below 0.00001; gnomAD exomes below 0.00001; gnomAD 0.00001.
gnomAD v4.1: 5 of 1,613,760 alleles (0.00031%); highest among the groups gnomAD compares: Non-Finnish European, 0.00042%; no homozygotes.

Submissions (7):

Ambry Genetics
Classification: Uncertain significance for Hereditary cancer-predisposing syndrome. Last evaluated: 2025-10-30. Review status: criteria provided, single submitter. Criteria: Ambry Variant Classification Scheme 2023. Collection method: clinical testing. Allele origin: germline.
Comment: The p.E2936Q variant (also known as c.8806G>C), located in coding exon 60 of the ATM gene, results from a G to C substitution at nucleotide position 8806. The glutamic acid at codon 2936 is replaced by glutamine, an amino acid with highly similar properties. This amino acid position is well conserved in available vertebrate species. In addition, the in silico prediction for this alteration is inconclusive. Based on the available evidence, the clinical significance of this variant remains unclear.

Quest Diagnostics Nichols Institute San Juan Capistrano
Classification: Uncertain significance. Last evaluated: 2025-10-08. Review status: criteria provided, single submitter. Criteria: Quest Diagnostics criteria. Collection method: clinical testing. Allele origin: unknown.

Labcorp Genetics (formerly Invitae), Labcorp
Classification: Uncertain significance for Ataxia-telangiectasia syndrome. Last evaluated: 2025-09-14. Review status: criteria provided, single submitter. Criteria: Invitae Variant Classification Sherloc (09022015). Collection method: clinical testing. Allele origin: germline.
Comment: This sequence change replaces glutamic acid, which is acidic and polar, with glutamine, which is neutral and polar, at codon 2936 of the ATM protein (p.Glu2936Gln). This variant is not present in population databases (gnomAD no frequency). This variant has not been reported in the literature in individuals affected with ATM-related conditions. ClinVar contains an entry for this variant (Variation ID: 407465). Invitae Evidence Modeling of protein sequence and biophysical properties (such as structural, functional, and spatial information, amino acid conservation, physicochemical variation, residue mobility, and thermodynamic stability) has been performed for this missense variant. However, the output from this modeling did not meet the statistical confidence thresholds required to predict the impact of this variant on ATM protein function. In summary, the available evidence is currently insufficient to determine the role of this variant in disease. Therefore, it has been classified as a Variant of Uncertain Significance.

Color Diagnostics, LLC DBA Color Health
Classification: Uncertain significance for Hereditary cancer-predisposing syndrome. Last evaluated: 2022-03-02. Review status: criteria provided, single submitter. Criteria: ACMG Guidelines, 2015. Collection method: clinical testing. Allele origin: germline.
Comment: This missense variant replaces glutamic acid with glutamine at codon 2936 of the ATM protein. Computational prediction suggests that this variant may not impact protein structure and function (internally defined REVEL score threshold <= 0.5, PMID: 27666373). To our knowledge, functional studies have not been reported for this variant. In a large international case-control study, this variant was reported in 1/60465 breast cancer cases and 1/53460 controls (PMID: 33471991). This variant has not been identified in the general population by the Genome Aggregation Database (gnomAD). The available evidence is insufficient to determine the role of this variant in disease conclusively. Therefore, this variant is classified as a Variant of Uncertain Significance.

GeneDx
Classification: Uncertain significance. Last evaluated: 2022-01-12. Review status: criteria provided, single submitter. Criteria: GeneDx Variant Classification Process June 2021. Collection method: clinical testing. Allele origin: germline. Affected: yes.
Comment: Not observed in large population cohorts (gnomAD); In silico analysis supports that this missense variant does not alter protein structure/function; Observed in an individual with breast cancer (Hauke 2018); This variant is associated with the following publications: (PMID: 23532176, 29522266)

Fulgent Genetics
Classification: Uncertain significance for Familial cancer of breast; Ataxia-telangiectasia syndrome. Last evaluated: 2021-12-09. Review status: criteria provided, single submitter. Criteria: ACMG Guidelines, 2015. Collection method: clinical testing. Allele origin: unknown.

Natera, Inc.
Classification: Uncertain significance for Ataxia-telangiectasia. Last evaluated: 2021-01-27. Review status: no assertion criteria provided. Collection method: clinical testing. Allele origin: germline. Not counted in ClinVar's aggregate classification.

Literature cited by the submitters: PubMed 29522266 (cited by Ambry Genetics); PubMed 33471991 (cited by Color Diagnostics, LLC DBA Color Health).

NM_000051.4(ATM):c.8806G>C (p.Glu2936Gln)

Genes: ATM (ATM serine/threonine kinase; plus strand), C11orf65 (chromosome 11 open reading frame 65; minus strand). Cytogenetic location: 11q22.3.
Variant type: single nucleotide variant.
Coding change: c.8806G>C on transcript NM_000051.4 (MANE Select); coding-DNA position 8806, G replaced by C.
Protein change: p.Glu2936Gln; replaces glutamic acid 2936 with glutamine.
Molecular consequence: missense variant. On other transcripts: intron variant (2).
Genome position (GRCh38, 1-based): chr11:108,354,830, G>C. VCF-style: chr11-108354830-G-C. GRCh37 (hg19) VCF-style: chr11-108225557-G-C.
Other names: c.8806G>C, p.Glu2936Gln (NM_001351834.2); c.640+31090C>G (NM_001330368.2); c.695-19538C>G (NM_001351110.2); short protein forms E2936Q.
Identifiers: ClinVar variation 407465 (VCV000407465.33), dbSNP rs1060501537, ClinGen allele CA16613178.